The following is an entry in ClinVar:

ClinVar aggregate classification (germline): Uncertain significance. Review status: criteria provided, multiple submitters, no conflicts (2 of 4 stars). 2 submissions from 2 submitters: Uncertain significance (2). Last evaluated 2024-10-24.

Conditions:
Autosomal dominant nonsyndromic hearing loss 6 (LFSNHL). Also called: DEAFNESS, AUTOSOMAL DOMINANT 6; DEAFNESS, AUTOSOMAL DOMINANT 14; DEAFNESS, AUTOSOMAL DOMINANT 38; Autosomal dominant nonsyndromic deafness 6. Identifiers: Orphanet 90635, MedGen C1833021, MONDO:0010963, OMIM 600965.
Type 2 diabetes mellitus. Also called: Type II diabetes mellitus. Identifiers: MedGen C0011860, MeSH D003924, MONDO:0005148, OMIM 125853, HP:0005978.
Wolfram-like syndrome. Also called: HEARING LOSS, PROGRESSIVE, WITH OPTIC ATROPHY AND/OR IMPAIRED GLUCOSE REGULATION. Identifiers: Orphanet 411590, MedGen C3280358, MONDO:0013673, OMIM 614296.
Wolfram syndrome 1 (WFS1). Identifiers: Orphanet 3463, MedGen C4551693, MONDO:0009101, OMIM 222300.
Cataract 41 (CTRCT41). Also called: CATARACT 41, CONGENITAL NUCLEAR TYPE. Identifiers: Orphanet 91492, Orphanet 98991, Orphanet 98992, Orphanet 98995, MedGen C3805412, MONDO:0007287, OMIM 116400.

Submissions (2):

Labcorp Genetics (formerly Invitae), Labcorp
Classification: Uncertain significance. Last evaluated: 2024-10-24. Review status: criteria provided, single submitter. Criteria: Invitae Variant Classification Sherloc (09022015). Collection method: clinical testing. Allele origin: germline.
Comment: This sequence change replaces phenylalanine, which is neutral and non-polar, with alanine, which is neutral and non-polar, at codon 343 of the WFS1 protein (p.Phe343Ala). Information on the frequency of this variant in the gnomAD database is not available, as this variant may be reported differently in the database. This variant has not been reported in the literature in individuals affected with WFS1-related conditions. An algorithm developed to predict the effect of missense changes on protein structure and function (PolyPhen-2) suggests that this variant is likely to be tolerated. In summary, the available evidence is currently insufficient to determine the role of this variant in disease. Therefore, it has been classified as a Variant of Uncertain Significance.

Fulgent Genetics
Classification: Uncertain significance for Cataract 41; Type 2 diabetes mellitus; Wolfram syndrome 1; Autosomal dominant nonsyndromic hearing loss 6; Wolfram-like syndrome. Last evaluated: 2024-04-02. Review status: criteria provided, single submitter. Criteria: ACMG Guidelines, 2015. Collection method: clinical testing. Allele origin: germline.

NM_006005.3(WFS1):c.1027_1028delinsGC (p.Phe343Ala)

Gene: WFS1 (wolframin ER transmembrane glycoprotein; plus strand). Cytogenetic location: 4p16.1.
Variant type: Indel.
Coding change: c.1027_1028delinsGC on transcript NM_006005.3 (MANE Select); coding-DNA positions 1027 to 1028, TT replaced by GC.
Protein change: p.Phe343Ala; replaces phenylalanine 343 with alanine.
Molecular consequence: missense variant.
Genome position (GRCh38, 1-based): chr4:6,300,822-6,300,823, TT replaced by GC. VCF-style: chr4-6300822-TT-GC. GRCh37 (hg19) VCF-style: chr4-6302549-TT-GC.
Other names: c.1027_1028delinsGC, p.Phe343Ala (NM_001145853.1); short protein forms F343A.
Identifiers: ClinVar variation 3590680 (VCV003590680.3).